The following is an entry in ClinVar:

ClinVar aggregate classification (germline): Uncertain significance (1 of 4 stars; one submission).

Conditions:
Inborn genetic diseases. Identifiers: MedGen C0950123, MeSH D030342.

Allele frequency attached by ClinVar (database versions not stated): gnomAD exomes below 0.00001; TOPMed below 0.00001.
gnomAD v4.1: 2 of 1,613,326 alleles (0.00012%); highest among the groups gnomAD compares: Non-Finnish European, 0.00017%; no homozygotes.

Submission:

Ambry Genetics
Classification: Uncertain significance for Inborn genetic diseases. Last evaluated: 2023-09-14. Review status: criteria provided, single submitter. Criteria: Ambry Variant Classification Scheme 2023. Collection method: clinical testing. Allele origin: germline.
Comment: The p.N2308S variant (also known as c.6923A>G), located in coding exon 47 of the LRRK2 gene, results from an A to G substitution at nucleotide position 6923. The asparagine at codon 2308 is replaced by serine, an amino acid with highly similar properties. This amino acid position is conserved. In addition, this alteration is predicted to be tolerated by in silico analysis. Since supporting evidence is limited at this time, the clinical significance of this alteration remains unclear.

NM_198578.4(LRRK2):c.6923A>G (p.Asn2308Ser)

Gene: LRRK2 (leucine rich repeat kinase 2; plus strand). Cytogenetic location: 12q12.
Variant type: single nucleotide variant.
Coding change: c.6923A>G on transcript NM_198578.4 (MANE Select); coding-DNA position 6923, A replaced by G.
Protein change: p.Asn2308Ser; replaces asparagine 2308 with serine.
Molecular consequence: missense variant.
Genome position (GRCh38, 1-based): chr12:40,359,339, A>G. VCF-style: chr12-40359339-A-G. GRCh37 (hg19) VCF-style: chr12-40753141-A-G.
Other names: short protein forms N2308S.
Identifiers: ClinVar variation 2624892 (VCV002624892.2), dbSNP rs1331390182, ClinGen allele CA384411701.